The following is an entry in ClinVar:

NM_014363.6(SACS):c.11928T>C (p.Ser3976=)

Gene: SACS (sacsin molecular chaperone; minus strand). Cytogenetic location: 13q12.12.
Variant type: single nucleotide variant.
Coding change: c.11928T>C on transcript NM_014363.6 (MANE Select); coding-DNA position 11928, T replaced by C.
Protein change: p.Ser3976=; no amino-acid change (serine 3976 retained).
Molecular consequence: synonymous variant.
Genome position (GRCh38, 1-based): chr13:23,331,948, A>G on the plus strand (T>C on the coding strand, the complement: SACS is on the minus strand). VCF-style: chr13-23331948-A-G. GRCh37 (hg19) VCF-style: chr13-23906087-A-G.
Other names: c.11487T>C, p.Ser3829= (NM_001278055.2); c.11928T>C (NM_014363.4).
Identifiers: ClinVar variation 311504 (VCV000311504.46), dbSNP rs145680118, ClinGen allele CA6910201.

ClinVar aggregate classification (germline): Conflicting classifications of pathogenicity. Review status: criteria provided, conflicting classifications (1 of 4 stars). 8 submissions from 8 submitters: Uncertain significance (1); Benign (1); Likely benign (5). 1 of the submissions does not count toward it. Last evaluated 2026-01-13.

Conditions:
SACS-related disorder. Also called: SACS-related condition.
Charlevoix-Saguenay spastic ataxia (SACS). Also called: SPASTIC ATAXIA 6, AUTOSOMAL RECESSIVE; AUTOSOMAL RECESSIVE SPASTIC ATAXIA OF CHARLEVOIX-SAGUENAY; Spastic ataxia of Charlevoix-Saguenay. Identifiers: Orphanet 98, MedGen C1849140, MONDO:0010041, OMIM 270550.
Spastic paraplegia. Identifiers: MedGen C0037772, HP:0001258.

Allele frequency attached by ClinVar (database versions not stated): gnomAD 0.00017; gnomAD exomes 0.00059 and 0.00012; ESP Exome Variant Server 0.00008; ExAC 0.00010; TOPMed 0.00011.

Submissions (8):

PreventionGenetics, part of Exact Sciences
Classification: Likely benign for SACS-related condition. Last evaluated: 2026-01-13. Review status: criteria provided, single submitter. Criteria: ACMG Guidelines, 2015. Collection method: clinical testing. Allele origin: germline.
Comment: This variant is classified as likely benign based on ACMG/AMP sequence variant interpretation guidelines (Richards et al. 2015 PMID: 25741868, with internal and published modifications).

Labcorp Genetics (formerly Invitae), Labcorp
Classification: Likely benign for Spastic paraplegia. Last evaluated: 2025-10-02. Review status: criteria provided, single submitter. Criteria: Invitae Variant Classification Sherloc (09022015). Collection method: clinical testing. Allele origin: germline.

Blueprint Genetics
Classification: Likely benign. Last evaluated: 2024-11-05. Review status: criteria provided, single submitter. Criteria: ACMG Guidelines, 2015. Collection method: clinical testing. Allele origin: germline.

CeGaT Center for Human Genetics Tuebingen
Classification: Likely benign. Last evaluated: 2022-12-01. Review status: criteria provided, single submitter. Criteria: CeGaT Center For Human Genetics Tuebingen Variant Classification Criteria Version 2. Collection method: clinical testing. Allele origin: germline. Affected: yes. Observed: 1 variant allele.
Comment: SACS: BP4, BP7

Genome-Nilou Lab
Classification: Likely benign for Charlevoix-Saguenay spastic ataxia. Last evaluated: 2021-09-05. Review status: criteria provided, single submitter. Criteria: ACMG Guidelines, 2015. Collection method: clinical testing. Allele origin: germline. Affected: no.

Athena Diagnostics
Classification: Benign. Last evaluated: 2020-09-18. Review status: criteria provided, single submitter. Criteria: Athena Diagnostics criteria. Collection method: clinical testing. Allele origin: unknown.

Illumina Laboratory Services, Illumina
Classification: Uncertain significance for Charlevoix-Saguenay spastic ataxia. Last evaluated: 2018-01-13. Review status: criteria provided, single submitter. Criteria: ICSL Variant Classification Criteria 13 December 2019. Collection method: clinical testing. Allele origin: germline.

Natera, Inc.
Classification: Uncertain significance for Charlevoix-Saguenay type spastic ataxia. Last evaluated: 2020-04-17. Review status: no assertion criteria provided. Collection method: clinical testing. Allele origin: germline. Not counted in ClinVar's aggregate classification.